The following is an entry in ClinVar:

NM_032608.7(MYO18B):c.5197C>T (p.Gln1733Ter)

Gene: MYO18B (myosin XVIIIB; plus strand). Cytogenetic location: 22q12.1.
Variant type: single nucleotide variant.
Coding change: c.5197C>T on transcript NM_032608.7 (MANE Select); coding-DNA position 5197, C replaced by T.
Protein change: p.Gln1733Ter; replaces glutamine 1733 with a stop codon.
Molecular consequence: nonsense.
Genome position (GRCh38, 1-based): chr22:25,908,370, C>T. VCF-style: chr22-25908370-C-T. GRCh37 (hg19) VCF-style: chr22-26304337-C-T.
Other names: c.5200C>T, p.Gln1734Ter (NM_001318245.2); c.5197C>T (NM_032608.6); short protein forms Q1733*, Q1734*.
Identifiers: ClinVar variation 1391481 (VCV001391481.6), dbSNP rs775126785, ClinGen allele CA10161096.
Genomic context (GRCh38, chr22:25,908,370, plus strand): 5'-CTGCCCCCGCAGCTCCGCCAGCGGTTTGAGCTGGAGATCGAGCGGATGAAGCAGATGCAC[C>T]AGAAGGACCGTGAGGACCAGGAGGAGGAACTGGAGGATGTCCGTCAGTCCTGCCAGAAGC-3'

ClinVar aggregate classification (germline): Pathogenic/Likely pathogenic. Review status: criteria provided, multiple submitters, no conflicts (2 of 4 stars). 2 submissions from 2 submitters: Pathogenic (1); Likely pathogenic (1). Last evaluated 2025-11-16.

Conditions:
MYO18B-related disorder. Also called: MYO18B-related condition.

Allele frequency attached by ClinVar (database versions not stated): TOPMed 0.00001; gnomAD exomes 0.00002 and 0.00004; gnomAD 0.00003 and 0.00004; ExAC 0.00006.
gnomAD v4.1: 61 of 1,603,044 alleles (0.0038%); highest among the groups gnomAD compares: Non-Finnish European, 0.0048%; no homozygotes.

Submissions (2):

Labcorp Genetics (formerly Invitae), Labcorp
Classification: Pathogenic. Last evaluated: 2025-11-16. Review status: criteria provided, single submitter. Criteria: Invitae Variant Classification Sherloc (09022015). Collection method: clinical testing. Allele origin: germline.
Comment: This sequence change creates a premature translational stop signal (p.Gln1733*) in the MYO18B gene. It is expected to result in an absent or disrupted protein product. Loss-of-function variants in MYO18B are known to be pathogenic (PMID: 25748484, 32184166, 32637634). This variant is present in population databases (rs775126785, gnomAD 0.005%). This variant has not been reported in the literature in individuals affected with MYO18B-related conditions. ClinVar contains an entry for this variant (Variation ID: 1391481). For these reasons, this variant has been classified as Pathogenic.

PreventionGenetics, part of Exact Sciences
Classification: Likely pathogenic for MYO18B-related condition. Last evaluated: 2023-02-08. Review status: criteria provided, single submitter. Criteria: ACMG Guidelines, 2015. Collection method: clinical testing. Allele origin: germline.
Comment: The MYO18B c.5197C>T variant is predicted to result in premature protein termination (p.Gln1733*). To our knowledge, this variant has not been reported in the literature. This variant is reported in 0.0045% of alleles in individuals of African descent in gnomAD. Nonsense variants in MYO18B are expected to be pathogenic. This variant is interpreted as likely pathogenic.

Literature cited by the submitters: PubMed 25748484 (cited by Labcorp Genetics (formerly Invitae), Labcorp); PubMed 32184166 (cited by Labcorp Genetics (formerly Invitae), Labcorp); PubMed 32637634 (cited by Labcorp Genetics (formerly Invitae), Labcorp).